The following is an entry in ClinVar:

NM_014141.6(CNTNAP2):c.939+6T>C

Gene: CNTNAP2 (contactin associated protein 2; plus strand). Cytogenetic location: 7q35.
Variant type: single nucleotide variant.
Coding change: c.939+6T>C on transcript NM_014141.6 (MANE Select); 6 bases into the intron after coding-DNA position 939, T replaced by C.
Molecular consequence: intron variant.
Genome position (GRCh38, 1-based): chr7:147,121,169, T>C. VCF-style: chr7-147121169-T-C. GRCh37 (hg19) VCF-style: chr7-146818261-T-C.
Identifiers: ClinVar variation 515593 (VCV000515593.1), dbSNP rs762720427, ClinGen allele CA4545920.

ClinVar aggregate classification (germline): Likely benign (1 of 4 stars; one submission).

Allele frequency attached by ClinVar (database versions not stated): gnomAD exomes below 0.00001; ExAC 0.00001.
gnomAD v4.1: 1 of 1,613,696 alleles (0.000062%); highest among the groups gnomAD compares: South Asian, 0.0011%; no homozygotes.

Submission:

GeneDx
Classification: Likely benign. Last evaluated: 2018-02-22. Review status: criteria provided, single submitter. Criteria: GeneDx Variant Classification (06012015). Collection method: clinical testing. Allele origin: germline. Affected: yes.
Comment: This variant is considered likely benign or benign based on one or more of the following criteria: it is a conservative change, it occurs at a poorly conserved position in the protein, it is predicted to be benign by multiple in silico algorithms, and/or has population frequency not consistent with disease.